The following is an entry in ClinVar:

NM_004260.4(RECQL4):c.1200G>C (p.Lys400Asn)

Gene: RECQL4 (RecQ like helicase 4; minus strand). Cytogenetic location: 8q24.3.
Variant type: single nucleotide variant.
Coding change: c.1200G>C on transcript NM_004260.4 (MANE Select); coding-DNA position 1200, G replaced by C.
Protein change: p.Lys400Asn; replaces lysine 400 with asparagine.
Molecular consequence: missense variant.
Genome position (GRCh38, 1-based): chr8:144,515,822, C>G on the plus strand (G>C on the coding strand, the complement: RECQL4 is on the minus strand). VCF-style: chr8-144515822-C-G. GRCh37 (hg19) VCF-style: chr8-145741206-C-G.
Other names: short protein forms K400N.
Identifiers: ClinVar variation 1462815 (VCV001462815.6), dbSNP rs2130712891, ClinGen allele CA372687554.

ClinVar aggregate classification (germline): Uncertain significance (1 of 4 stars; one submission).

Conditions:
Baller-Gerold syndrome (BGS). Also called: CRANIOSYNOSTOSIS WITH RADIAL DEFECTS. Identifiers: Orphanet 1225, MedGen C0265308, MONDO:0009039, OMIM 218600.

gnomAD v4.1: 1 of 1,612,912 alleles (0.000062%); highest among the groups gnomAD compares: South Asian, 0.0011%; no homozygotes.

Submission:

Labcorp Genetics (formerly Invitae), Labcorp
Classification: Uncertain significance for Baller-Gerold syndrome. Last evaluated: 2021-10-21. Review status: criteria provided, single submitter. Criteria: Invitae Variant Classification Sherloc (09022015). Collection method: clinical testing. Allele origin: germline.
Comment: In summary, the available evidence is currently insufficient to determine the role of this variant in disease. Therefore, it has been classified as a Variant of Uncertain Significance. Experimental studies and prediction algorithms are not available or were not evaluated, and the functional significance of this variant is currently unknown. This variant has not been reported in the literature in individuals affected with RECQL4-related conditions. This variant is not present in population databases (gnomAD no frequency). This sequence change replaces lysine, which is basic and polar, with asparagine, which is neutral and polar, at codon 400 of the RECQL4 protein (p.Lys400Asn).